The following is an entry in ClinVar:

ClinVar aggregate classification (germline): Likely benign. Review status: criteria provided, single submitter (1 of 4 stars). 2 submissions from 2 submitters: Likely benign (1). 1 of the submissions does not count toward it. Last evaluated 2025-08-22.

Conditions:
Heterotopia, periventricular, X-linked dominant (PVNH1). Also called: PERIVENTRICULAR NODULAR HETEROTOPIA 1; X-linked periventricular heterotopia; PERIVENTRICULAR NODULAR HETEROTOPIA 4; HETEROTOPIA, PERIVENTRICULAR, 1. Identifiers: Orphanet 2149, Orphanet 82004, MedGen C1848213, MONDO:0010233, OMIM 300049.
Oto-palato-digital syndrome, type II (OPD2). Also called: OPD II SYNDROME; FACIOPALATOOSSEOUS SYNDROME; Otopalatodigital Syndrome Type 2 (FLNA-OPD2); Otopalatodigital Syndrome, Type II. Identifiers: Orphanet 669, Orphanet 90652, MedGen C1844696, MONDO:0010571, OMIM 304120.
Melnick-Needles syndrome (MNS). Also called: MELNICK-NEEDLES OSTEODYSPLASTY; OSTEODYSPLASTY OF MELNICK AND NEEDLES; Melnick-Needles Syndrome (FLNA-MNS). Identifiers: Orphanet 2484, MedGen C0025237, MONDO:0010650, OMIM 309350.
Frontometaphyseal dysplasia (FMD1). Identifiers: Orphanet 1826, MedGen C0265293, MONDO:0015942.
FLNA-related disorder.

Allele frequency attached by ClinVar (database versions not stated): TOPMed 0.00001; gnomAD exomes below 0.00001 and 0.00001.
gnomAD v4.1: 2 of 1,211,867 alleles (0.00017%); highest among the groups gnomAD compares: African/African-American, 0.0017%; no homozygotes.

Submissions (2):

Labcorp Genetics (formerly Invitae), Labcorp
Classification: Likely benign for Oto-palato-digital syndrome, type II; Heterotopia, periventricular, X-linked dominant; Frontometaphyseal dysplasia; Melnick-Needles syndrome. Last evaluated: 2025-08-22. Review status: criteria provided, single submitter. Criteria: Invitae Variant Classification Sherloc (09022015). Collection method: clinical testing. Allele origin: germline.

PreventionGenetics, part of Exact Sciences
Classification: Likely benign for FLNA-related condition. Last evaluated: 2019-07-18. Review status: no assertion criteria provided. Collection method: clinical testing. Allele origin: germline. Not counted in ClinVar's aggregate classification.
Comment: This variant is classified as likely benign based on ACMG/AMP sequence variant interpretation guidelines (Richards et al. 2015 PMID: 25741868, with internal and published modifications).

NM_001110556.2(FLNA):c.6666T>G (p.Pro2222=)

Gene: FLNA (filamin A; minus strand). Cytogenetic location: Xq28.
Variant type: single nucleotide variant.
Coding change: c.6666T>G on transcript NM_001110556.2 (MANE Select); coding-DNA position 6666, T replaced by G.
Protein change: p.Pro2222=; no amino-acid change (proline 2222 retained).
Molecular consequence: synonymous variant.
Genome position (GRCh38, 1-based): chrX:154,352,284, A>C on the plus strand (T>G on the coding strand, the complement: FLNA is on the minus strand). VCF-style: chrX-154352284-A-C. GRCh37 (hg19) VCF-style: chrX-153580652-A-C.
Other names: c.6642T>G, p.Pro2214= (NM_001456.4); c.6666T>G (NM_001110556.1).
Identifiers: ClinVar variation 767604 (VCV000767604.9), dbSNP rs1557175937, ClinGen allele CA519706425.
Genomic context (GRCh38, chrX:154,352,284, plus strand): 5'-TCGGACCTTGTGGGCTCCCCCTTCCCCTAGGGGCCCCACGGTGAACTGGAAGGGGCTCCC[A>C]GGCACGTGCTGGCCCTTGTACTTCACGCTGACTGTGTGTGTGCCCATCTCAGCGGGAACA-3'
Protein context (NP_001104026.1, residues 2212-2232): VSVKYKGQHV[Pro2222=]GSPFQFTVGP